The following is an entry in ClinVar:

NM_001903.5(CTNNA1):c.1287A>G (p.Lys429=)

Gene: CTNNA1 (catenin alpha 1; plus strand). Cytogenetic location: 5q31.2.
Variant type: single nucleotide variant.
Coding change: c.1287A>G on transcript NM_001903.5 (MANE Select); coding-DNA position 1287, A replaced by G.
Protein change: p.Lys429=; no amino-acid change (lysine 429 retained).
Molecular consequence: synonymous variant. On other transcripts: 5 prime UTR variant (5), intron variant (2).
Genome position (GRCh38, 1-based): chr5:138,887,633, A>G. VCF-style: chr5-138887633-A-G. GRCh37 (hg19) VCF-style: chr5-138223322-A-G.
Other names: c.1287A>G (NM_001903.2); c.1287A>G, p.Lys429= (NM_001290307.3, NM_001323982.2, NM_001323983.1 and 3 more transcripts); c.978A>G, p.Lys326= (NM_001290309.3); c.918A>G, p.Lys306= (NM_001290310.3); c.177A>G, p.Lys59= (NM_001290312.1, NM_001323987.1, NM_001323988.1 and 18 more transcripts); c.-221A>G (NM_001324006.1, NM_001324007.1, NM_001324008.1 and 1 more transcripts); c.-96A>G (NM_001324013.1); c.-58+12036A>G (NM_001324012.1); and 1 more.
Identifiers: ClinVar variation 1119332 (VCV001119332.11), dbSNP rs2150033141, ClinGen allele CA446590456.

ClinVar aggregate classification (germline): Benign/Likely benign. Review status: criteria provided, multiple submitters, no conflicts (2 of 4 stars). 3 submissions from 3 submitters: Benign (1); Likely benign (2). Last evaluated 2026-05-05.

Conditions:
Hereditary cancer-predisposing syndrome. Also called: Hereditary neoplastic syndrome; Neoplastic Syndromes, Hereditary; Tumor predisposition; Hereditary Cancer Syndrome. Identifiers: Orphanet 140162, MedGen C0027672, MeSH D009386, MONDO:0015356.
Hereditary diffuse gastric adenocarcinoma (HDGC). Also called: DIFFUSE GASTRIC AND LOBULAR BREAST CANCER SYNDROME. Identifiers: Orphanet 26106, MedGen C1708349, MONDO:0007648, OMIM 137215.

gnomAD v4.1: 1 of 1,609,760 alleles (0.000062%); highest among the groups gnomAD compares: Non-Finnish European, 0.000085%; no homozygotes.

Submissions (3):

Ambry Genetics
Classification: Likely benign for Hereditary cancer-predisposing syndrome. Last evaluated: 2026-05-05. Review status: criteria provided, single submitter. Criteria: Ambry Variant Classification Scheme 2023. Collection method: clinical testing. Allele origin: germline.

Myriad Genetics, Inc.
Classification: Benign for Hereditary diffuse gastric adenocarcinoma. Last evaluated: 2024-10-11. Review status: criteria provided, single submitter. Criteria: Myriad Autosomal Dominant, Autosomal Recessive and X-Linked Classification Criteria (2023). Collection method: clinical testing. Allele origin: unknown.
Comment: This variant is considered benign. This variant is a silent/synonymous amino acid change and it is not expected to impact splicing.

Labcorp Genetics (formerly Invitae), Labcorp
Classification: Likely benign. Last evaluated: 2024-04-29. Review status: criteria provided, single submitter. Criteria: Invitae Variant Classification Sherloc (09022015). Collection method: clinical testing. Allele origin: germline.